The following is an entry in ClinVar:

NM_014003.4(DHX38):c.503G>A (p.Arg168Lys)

Gene: DHX38 (DEAH-box helicase 38; plus strand). Cytogenetic location: 16q22.2.
Variant type: single nucleotide variant.
Coding change: c.503G>A on transcript NM_014003.4 (MANE Select); coding-DNA position 503, G replaced by A.
Protein change: p.Arg168Lys; replaces arginine 168 with lysine.
Molecular consequence: missense variant.
Genome position (GRCh38, 1-based): chr16:72,097,001, G>A. VCF-style: chr16-72097001-G-A. GRCh37 (hg19) VCF-style: chr16-72130900-G-A.
Other names: short protein forms R168K.
Identifiers: ClinVar variation 1470024 (VCV001470024.8), dbSNP rs2144131766, ClinGen allele CA396701424.

ClinVar aggregate classification (germline): Uncertain significance (1 of 4 stars; one submission).

Allele frequency attached by ClinVar (database versions not stated): gnomAD exomes below 0.00001.

Submission:

Labcorp Genetics (formerly Invitae), Labcorp
Classification: Uncertain significance. Last evaluated: 2022-03-04. Review status: criteria provided, single submitter. Criteria: Invitae Variant Classification Sherloc (09022015). Collection method: clinical testing. Allele origin: germline.
Comment: Algorithms developed to predict the effect of missense changes on protein structure and function (SIFT, PolyPhen-2, Align-GVGD) all suggest that this variant is likely to be tolerated. This sequence change replaces arginine, which is basic and polar, with lysine, which is basic and polar, at codon 168 of the DHX38 protein (p.Arg168Lys). This variant is not present in population databases (gnomAD no frequency). This variant has not been reported in the literature in individuals affected with DHX38-related conditions. In summary, the available evidence is currently insufficient to determine the role of this variant in disease. Therefore, it has been classified as a Variant of Uncertain Significance.